The following is an entry in ClinVar:

ClinVar aggregate classification (germline): Likely pathogenic. Review status: criteria provided, single submitter (1 of 4 stars). 2 submissions from 2 submitters: Likely pathogenic (1). 1 of the submissions does not count toward it. Last evaluated 2025-12-09.

Conditions:
Hearing loss, autosomal recessive 113. Also called: Deafness, autosomal recessive 113. Identifiers: MedGen C5193079, MONDO:0032732, OMIM 618410.

Submissions (2):

Genetics Research Center, University of Social Welfare and Rehabilitation Sciences
Classification: Likely pathogenic for Hearing loss, autosomal recessive 113. Last evaluated: 2025-12-09. Review status: criteria provided, single submitter. Criteria: ACMG Guidelines, 2015. Collection method: research. Allele origin: germline. Affected: yes.
Comment: The variant is absent from the gnomAD v2.1.1 dataset. It has been previously reported in individual(s) with CEACAM16-related hearing loss (PMID:29703829). The variant segregated with hearing loss in the family. A minigene assay showed complete exon 2 skipping, confirming the predicted splice defect.

OMIM
Classification: Pathogenic for DEAFNESS, AUTOSOMAL RECESSIVE 113. Last evaluated: 2021-08-03. Review status: no assertion criteria provided. Collection method: literature only. Allele origin: germline. Not counted in ClinVar's aggregate classification.

Literature cited by the submitters: PubMed 29703829 (cited by Genetics Research Center, University of Social Welfare and Rehabilitation Sciences and OMIM).

NM_001039213.4(CEACAM16):c.37G>T (p.Ala13Ser)

Genes: CEACAM16 (CEA cell adhesion molecule 16, tectorial membrane component; plus strand), CEACAM16-AS1 (CEACAM16, CEACAM19 and PVR antisense RNA 1; minus strand). Cytogenetic location: 19q13.32.
Variant type: single nucleotide variant.
Coding change: c.37G>T on transcript NM_001039213.4 (MANE Select); coding-DNA position 37, G replaced by T.
Protein change: p.Ala13Ser; replaces alanine 13 with serine.
Molecular consequence: missense variant.
Genome position (GRCh38, 1-based): chr19:44,701,493, G>T. VCF-style: chr19-44701493-G-T. GRCh37 (hg19) VCF-style: chr19-45204763-G-T.
Other names: short protein forms A13S.
Identifiers: ClinVar variation 626323 (VCV000626323.5), dbSNP rs1198256157, ClinGen allele CA406286566.